The following is an entry in ClinVar:

ClinVar aggregate classification (germline): Pathogenic (1 of 4 stars; one submission).

Conditions:
Combined deficiency of sialidase AND beta galactosidase (GSL). Also called: Galactosialidosis; CATHEPSIN A DEFICIENCY; GOLDBERG SYNDROME; NEURAMINIDASE DEFICIENCY WITH BETA-GALACTOSIDASE DEFICIENCY; NEURAMINIDASE/BETA-GALACTOSIDASE EXPRESSION; PPCA DEFICIENCY. Identifiers: Orphanet 351, MedGen C0268233, MONDO:0009737, OMIM 256540.

Submission:

Labcorp Genetics (formerly Invitae), Labcorp
Classification: Pathogenic for Combined deficiency of sialidase AND beta galactosidase. Last evaluated: 2023-05-22. Review status: criteria provided, single submitter. Criteria: Invitae Variant Classification Sherloc (09022015). Collection method: clinical testing. Allele origin: germline.
Comment: For these reasons, this variant has been classified as Pathogenic. This variant has not been reported in the literature in individuals affected with CTSA-related conditions. This variant is not present in population databases (gnomAD no frequency). This sequence change creates a premature translational stop signal (p.Leu29Cysfs*8) in the CTSA gene. It is expected to result in an absent or disrupted protein product. Loss-of-function variants in CTSA are known to be pathogenic (PMID: 15110321, 23915561).

Literature cited by the submitters: PubMed 15110321; PubMed 23915561.

NM_000308.4(CTSA):c.31_34del (p.Leu11fs)

Gene: CTSA (cathepsin A; plus strand). Cytogenetic location: 20q13.12.
Variant type: Deletion.
Coding change: c.31_34del on transcript NM_000308.4 (MANE Select); coding-DNA positions 31 to 34, 4 bases deleted (CTGC; older notation c.31_34delCTGC).
Protein change: p.Leu11fs; shifts the reading frame from leucine 11.
Molecular consequence: frameshift variant. On other transcripts: non-coding transcript variant (1).
Genome position (GRCh38, 1-based): chr20:45,891,599-45,891,602, CTGC deleted; deleting any 4 consecutive bases within chr20:45,891,598-45,891,602 gives the same sequence; the c. name uses the placement nearest the transcript's 3' end. VCF-style (leftmost placement, unchanged base first): chr20-45891597-TCCTG-T. GRCh37 (hg19) VCF-style: chr20-44520236-TCCTG-T.
Other names: c.31_34del, p.Leu11fs (NM_001127695.3, NM_001167594.3); short protein forms L11fs.
Identifiers: ClinVar variation 2888905 (VCV002888905.3), dbSNP rs2515431696, ClinGen allele CA2577412262.